The following is an entry in ClinVar:

ClinVar aggregate classification (germline): Uncertain significance. Review status: criteria provided, multiple submitters, no conflicts (2 of 4 stars). 5 submissions from 5 submitters: Uncertain significance (5). Last evaluated 2024-12-17.

Conditions:
Neonatal-onset encephalopathy with rigidity and seizures. Also called: Lethal neonatal spasticity-epileptic encephalopathy syndrome. Identifiers: Orphanet 435845, MedGen C3281029, MONDO:0013784, OMIM 614498.
Neurodevelopmental disorder with cerebellar atrophy and with or without seizures. Identifiers: MedGen C4748032, MONDO:0020841, OMIM 618056.

Allele frequency attached by ClinVar (database versions not stated): gnomAD 0.00004 and 0.00005; TOPMed 0.00006.
gnomAD v4.1: 71 of 1,613,978 alleles (0.0044%); highest among the groups gnomAD compares: Admixed American, 0.023%; 1 homozygote.

Submissions (5):

Labcorp Genetics (formerly Invitae), Labcorp
Classification: Uncertain significance for Neonatal-onset encephalopathy with rigidity and seizures. Last evaluated: 2024-12-17. Review status: criteria provided, single submitter. Criteria: Invitae Variant Classification Sherloc (09022015). Collection method: clinical testing. Allele origin: germline.
Comment: This sequence change replaces arginine, which is basic and polar, with lysine, which is basic and polar, at codon 20 of the BRAT1 protein (p.Arg20Lys). This variant is present in population databases (rs143390199, gnomAD 0.02%). This variant has not been reported in the literature in individuals affected with BRAT1-related conditions. ClinVar contains an entry for this variant (Variation ID: 660880). Invitae Evidence Modeling of protein sequence and biophysical properties (such as structural, functional, and spatial information, amino acid conservation, physicochemical variation, residue mobility, and thermodynamic stability) indicates that this missense variant is not expected to disrupt BRAT1 protein function with a negative predictive value of 95%. In summary, the available evidence is currently insufficient to determine the role of this variant in disease. Therefore, it has been classified as a Variant of Uncertain Significance.

GeneDx
Classification: Uncertain significance. Last evaluated: 2023-08-17. Review status: criteria provided, single submitter. Criteria: GeneDx Variant Classification Process June 2021. Collection method: clinical testing. Allele origin: germline.
Comment: In silico analysis supports that this missense variant does not alter protein structure/function; Has not been previously published as pathogenic or benign to our knowledge; This variant is associated with the following publications: (PMID: 27535533)

Blueprint Genetics
Classification: Uncertain significance. Last evaluated: 2021-11-12. Review status: criteria provided, single submitter. Criteria: ACMG Guidelines, 2015. Collection method: clinical testing. Allele origin: germline.

Fulgent Genetics
Classification: Uncertain significance for Neonatal-onset encephalopathy with rigidity and seizures; Neurodevelopmental disorder with cerebellar atrophy and with or without seizures. Last evaluated: 2021-10-07. Review status: criteria provided, single submitter. Criteria: ACMG Guidelines, 2015. Collection method: clinical testing. Allele origin: unknown.

Baylor Genetics
Classification: Uncertain significance for Neonatal-onset encephalopathy with rigidity and seizures. Last evaluated: 2019-10-24. Review status: criteria provided, single submitter. Criteria: ACMG Guidelines, 2015. Collection method: clinical testing. Allele origin: unknown. Affected: yes.
Comment: This variant was determined to be of uncertain significance according to ACMG Guidelines, 2015 [PMID:25741868].

NM_152743.4(BRAT1):c.59G>A (p.Arg20Lys)

Gene: BRAT1 (BRCA1 associated ATM activator 1; minus strand). Cytogenetic location: 7p22.3.
Variant type: single nucleotide variant.
Coding change: c.59G>A on transcript NM_152743.4 (MANE Select); coding-DNA position 59, G replaced by A.
Protein change: p.Arg20Lys; replaces arginine 20 with lysine.
Molecular consequence: missense variant. On other transcripts: 5 prime UTR variant (1), non-coding transcript variant (1).
Genome position (GRCh38, 1-based): chr7:2,554,373, C>T on the plus strand (G>A on the coding strand, the complement: BRAT1 is on the minus strand). VCF-style: chr7-2554373-C-T. GRCh37 (hg19) VCF-style: chr7-2594007-C-T.
Other names: c.59G>A, p.Arg20Lys (NM_001350626.2); c.-319G>A (NM_001350627.2); short protein forms R20K.
Identifiers: ClinVar variation 660880 (VCV000660880.13), dbSNP rs143390199, ClinGen allele CA4128328.